The following is an entry in ClinVar:

NM_005994.4(TBX2):c.1966C>T (p.Pro656Ser)

Gene: TBX2 (T-box transcription factor 2; plus strand). Cytogenetic location: 17q23.2.
Variant type: single nucleotide variant.
Coding change: c.1966C>T on transcript NM_005994.4 (MANE Select); coding-DNA position 1966, C replaced by T.
Protein change: p.Pro656Ser; replaces proline 656 with serine.
Molecular consequence: missense variant.
Genome position (GRCh38, 1-based): chr17:61,408,333, C>T. VCF-style: chr17-61408333-C-T. GRCh37 (hg19) VCF-style: chr17-59485694-C-T.
Other names: short protein forms P656S.
Identifiers: ClinVar variation 2637606 (VCV002637606.1), dbSNP rs772538088, ClinGen allele CA8689494.

ClinVar aggregate classification (germline): Uncertain significance (1 of 4 stars; one submission).

Allele frequency attached by ClinVar (database versions not stated): gnomAD exomes below 0.00001; ExAC 0.00001.
gnomAD v4.1: 1 of 1,604,966 alleles (0.000062%); highest among the groups gnomAD compares: Non-Finnish European, 0.000085%; no homozygotes.

Submission:

Women's Health and Genetics/Laboratory Corporation of America, LabCorp
Classification: Uncertain significance. Last evaluated: 2023-10-05. Review status: criteria provided, single submitter. Criteria: LabCorp Variant Classification Summary - May 2015. Collection method: clinical testing. Allele origin: germline.
Comment: Variant summary: TBX2 c.1966C>T (p.Pro656Ser) results in a non-conservative amino acid change in the encoded protein sequence. Three of five in-silico tools predict a benign effect of the variant on protein function. The variant allele was found at a frequency of 8.7e-06 in 228862 control chromosomes (gnomAD). The available data on variant occurrences in the general population are insufficient to allow any conclusion about variant significance. To our knowledge, no occurrence of c.1966C>T in individuals affected with Vertebral Anomalies And Variable Endocrine And T-Cell Dysfunction and no experimental evidence demonstrating its impact on protein function have been reported. No submitters have cited clinical-significance assessments for this variant to ClinVar after 2014. Based on the evidence outlined above, the variant was classified as uncertain significance.